The following is an entry in ClinVar:

ClinVar aggregate classification (germline): Uncertain significance. Review status: criteria provided, multiple submitters, no conflicts (2 of 4 stars). 3 submissions from 3 submitters: Uncertain significance (3). Last evaluated 2026-07-08.

Conditions:
Cardiovascular phenotype. Identifiers: MedGen CN230736.
Myofibrillar myopathy 4. Also called: Zaspopathy (type). Identifiers: Orphanet 98912, MedGen C4721886, MONDO:0012277, OMIM 609452.

gnomAD v4.1: 10 of 1,612,718 alleles (0.00062%); highest among the groups gnomAD compares: Admixed American, 0.0033%; no homozygotes.

Submissions (3):

Ambry Genetics
Classification: Uncertain significance for Cardiovascular phenotype. Last evaluated: 2026-07-08. Review status: criteria provided, single submitter. Criteria: Ambry Variant Classification Scheme 2023. Collection method: clinical testing. Allele origin: germline.
Comment: The c.914C>T (p.A305V) alteration is located in exon 7 (coding exon 7) of the LDB3 gene. This alteration results from a C to T substitution at nucleotide position 914, causing the alanine (A) at amino acid position 305 to be replaced by a valine (V). Based on data from gnomAD, the T allele has an overall frequency of <0.001% (1/280402) total alleles studied. The highest observed frequency was 0.001% (1/127350) of European (non-Finnish) alleles. Based on insufficient or conflicting evidence, the clinical significance of this alteration remains unclear.

Labcorp Genetics (formerly Invitae), Labcorp
Classification: Uncertain significance for Myofibrillar myopathy 4. Last evaluated: 2024-09-27. Review status: criteria provided, single submitter. Criteria: Invitae Variant Classification Sherloc (09022015). Collection method: clinical testing. Allele origin: germline.
Comment: The LDB3 gene has multiple clinically relevant transcripts. This variant occurs in alternate transcript NM_007078.3, and corresponds to NM_001080116.1:c.*7174C>T in the primary transcript. This sequence change replaces alanine, which is neutral and non-polar, with valine, which is neutral and non-polar, at codon 305 of the LDB3 protein (p.Ala305Val). This variant is present in population databases (no rsID available, gnomAD 0.0008%). This variant has not been reported in the literature in individuals affected with LDB3-related conditions. Experimental studies and prediction algorithms are not available or were not evaluated, and the functional significance of this variant is currently unknown. In summary, the available evidence is currently insufficient to determine the role of this variant in disease. Therefore, it has been classified as a Variant of Uncertain Significance.

Blueprint Genetics
Classification: Uncertain significance. Last evaluated: 2022-11-16. Review status: criteria provided, single submitter. Criteria: ACMG Guidelines, 2015. Collection method: clinical testing. Allele origin: germline.

NM_007078.3(LDB3):c.914C>T (p.Ala305Val)

Gene: LDB3 (LIM domain binding 3; plus strand). Cytogenetic location: 10q23.2.
Variant type: single nucleotide variant.
Coding change: c.914C>T on transcript NM_007078.3 (MANE Select); coding-DNA position 914, C replaced by T.
Protein change: p.Ala305Val; replaces alanine 305 with valine.
Molecular consequence: missense variant. On other transcripts: intron variant (4).
Genome position (GRCh38, 1-based): chr10:86,706,548, C>T. VCF-style: chr10-86706548-C-T. GRCh37 (hg19) VCF-style: chr10-88466305-C-T.
Other names: c.773C>T, p.Ala258Val (NM_001368066.1); c.897-3357C>T (NM_001368064.1, NM_001368065.1); c.1101-3357C>T (NM_001171610.2); c.756-3357C>T (NM_001080114.2); short protein forms A305V, A258V.
Identifiers: ClinVar variation 1969746 (VCV001969746.7), dbSNP rs544084461, ClinGen allele CA377446462.